The following is an entry in ClinVar:

ClinVar aggregate classification (germline): Uncertain significance (1 of 4 stars; one submission).

Submission:

Ambry Genetics
Classification: Uncertain significance. Last evaluated: 2025-05-11. Review status: criteria provided, single submitter. Criteria: Ambry Variant Classification Scheme 2023. Collection method: clinical testing. Allele origin: germline.
Comment: The p.R348K variant (also known as c.1043G>A), located in coding exon 5 of the GFI1 gene, results from a G to A substitution at nucleotide position 1043. The arginine at codon 348 is replaced by lysine, an amino acid with highly similar properties. This amino acid position is conserved. In addition, this alteration is predicted to be tolerated by in silico analysis. Based on the available evidence, the clinical significance of this variant remains unclear.

NM_005263.5(GFI1):c.1043G>A (p.Arg348Lys)

Gene: GFI1 (growth factor independent 1 transcriptional repressor; minus strand). Cytogenetic location: 1p22.1.
Variant type: single nucleotide variant.
Coding change: c.1043G>A on transcript NM_005263.5 (MANE Select); coding-DNA position 1043, G replaced by A.
Protein change: p.Arg348Lys; replaces arginine 348 with lysine.
Molecular consequence: missense variant.
Genome position (GRCh38, 1-based): chr1:92,478,635, C>T on the plus strand (G>A on the coding strand, the complement: GFI1 is on the minus strand). VCF-style: chr1-92478635-C-T. GRCh37 (hg19) VCF-style: chr1-92944192-C-T.
Other names: c.1043G>A, p.Arg348Lys (NM_001127215.3, NM_001127216.3); short protein forms R348K.
Identifiers: ClinVar variation 4029421 (VCV004029421.1).